The following is an entry in ClinVar:

ClinVar aggregate classification (germline): Uncertain significance (1 of 4 stars; one submission).

Submission:

Ambry Genetics
Classification: Uncertain significance. Last evaluated: 2024-01-16. Review status: criteria provided, single submitter. Criteria: Ambry Variant Classification Scheme 2023. Collection method: clinical testing. Allele origin: germline.
Comment: The p.S951G variant (also known as c.2851A>G), located in coding exon 1 of the MLH3 gene, results from an A to G substitution at nucleotide position 2851. The serine at codon 951 is replaced by glycine, an amino acid with similar properties. This amino acid position is conserved. In addition, this alteration is predicted to be tolerated by in silico analysis. Since supporting evidence is limited at this time, the clinical significance of this alteration remains unclear.

NM_001040108.2(MLH3):c.2851A>G (p.Ser951Gly)

Gene: MLH3 (mutL homolog 3; minus strand). Cytogenetic location: 14q24.3.
Variant type: single nucleotide variant.
Coding change: c.2851A>G on transcript NM_001040108.2 (MANE Select); coding-DNA position 2851, A replaced by G.
Protein change: p.Ser951Gly; replaces serine 951 with glycine.
Molecular consequence: missense variant.
Genome position (GRCh38, 1-based): chr14:75,046,805, T>C on the plus strand (A>G on the coding strand, the complement: MLH3 is on the minus strand). VCF-style: chr14-75046805-T-C. GRCh37 (hg19) VCF-style: chr14-75513508-T-C.
Other names: c.2851A>G, p.Ser951Gly (NM_014381.3); short protein forms S951G.
Identifiers: ClinVar variation 3232500 (VCV003232500.1), dbSNP rs2503259357, ClinGen allele CA390438072.